The following is an entry in ClinVar:

ClinVar aggregate classification (germline): Uncertain significance (1 of 4 stars; one submission).

Submission:

Labcorp Genetics (formerly Invitae), Labcorp
Classification: Uncertain significance. Last evaluated: 2022-03-11. Review status: criteria provided, single submitter. Criteria: Invitae Variant Classification Sherloc (09022015). Collection method: clinical testing. Allele origin: germline.
Comment: In summary, the available evidence is currently insufficient to determine the role of this variant in disease. Therefore, it has been classified as a Variant of Uncertain Significance. Algorithms developed to predict the effect of missense changes on protein structure and function are either unavailable or do not agree on the potential impact of this missense change (SIFT: "Deleterious"; PolyPhen-2: "Benign"; Align-GVGD: "Class C45"). This variant has not been reported in the literature in individuals affected with SZT2-related conditions. This variant is not present in population databases (gnomAD no frequency). This sequence change replaces arginine, which is basic and polar, with glycine, which is neutral and non-polar, at codon 2281 of the SZT2 protein (p.Arg2281Gly). ClinVar contains an entry for this variant (Variation ID: 411941).

NM_001365999.1(SZT2):c.7012C>G (p.Arg2338Gly)

Gene: SZT2 (SZT2 subunit of KICSTOR complex; plus strand). Cytogenetic location: 1p34.2.
Variant type: single nucleotide variant.
Coding change: c.7012C>G on transcript NM_001365999.1 (MANE Select); coding-DNA position 7012, C replaced by G.
Protein change: p.Arg2338Gly; replaces arginine 2338 with glycine.
Molecular consequence: missense variant.
Genome position (GRCh38, 1-based): chr1:43,439,739, C>G. VCF-style: chr1-43439739-C-G. GRCh37 (hg19) VCF-style: chr1-43905410-C-G.
Other names: c.6841C>G, p.Arg2281Gly (NM_015284.4); short protein forms R2281G, R2338G.
Identifiers: ClinVar variation 411941 (VCV000411941.11), dbSNP rs752242169, ClinGen allele CA16610102.
Genomic context (GRCh38, chr1:43,439,739, plus strand): 5'-TCTCCGGGGCCCCCAGACCCACTGCGAGAGGAGGAATTTGAGCAACTGACCCAGGTCATC[C>G]GCTGCCCGGTTGTTGTGGACAGTTCTTCAGGTGGGACAGCTTGGTCAGAGGATGAGGTGT-3'
Protein context (NP_001352928.1, residues 2328-2348): EEFEQLTQVI[Arg2338Gly]CPVVVDSSSA